The following is an entry in ClinVar:

ClinVar aggregate classification (germline): Uncertain significance (1 of 4 stars; one submission).

Conditions:
Immunodeficiency 104. Also called: SCID, AUTOSOMAL RECESSIVE, T CELL-NEGATIVE, B CELL-POSITIVE, NK CELL-POSITIVE; Severe combined immunodeficiency, autosomal recessive, T cell-negative, B cell-positive, NK cell-positive; IMMUNODEFICIENCY 104, SEVERE COMBINED; Severe Combined Immune Deficiency, Autosomal Recessive, TCell -Negative, B Cell-Positive, NK Cell-Positive, IL7R-Related. Identifiers: MedGen C5676890, MONDO:0012163, OMIM 608971.

gnomAD v4.1: 1 of 1,613,618 alleles (0.000062%); highest among the groups gnomAD compares: African/African-American, 0.0013%; no homozygotes.

Submission:

Labcorp Genetics (formerly Invitae), Labcorp
Classification: Uncertain significance for Immunodeficiency 104. Last evaluated: 2021-02-22. Review status: criteria provided, single submitter. Criteria: Invitae Variant Classification Sherloc (09022015). Collection method: clinical testing. Allele origin: germline.
Comment: In summary, the available evidence is currently insufficient to determine the role of this variant in disease. Therefore, it has been classified as a Variant of Uncertain Significance. Nucleotide substitutions within the consensus splice site are a relatively common cause of aberrant splicing (PMID: 17576681, 9536098). Algorithms developed to predict the effect of sequence changes on RNA splicing suggest that this variant may disrupt the consensus splice site, but this prediction has not been confirmed by published transcriptional studies. Algorithms developed to predict the effect of missense changes on protein structure and function (SIFT, PolyPhen-2, Align-GVGD) all suggest that this variant is likely to be disruptive, but these predictions have not been confirmed by published functional studies and their clinical significance is uncertain. This variant has not been reported in the literature in individuals with IL7R-related conditions. This variant is not present in population databases (ExAC no frequency). This sequence change replaces glycine with arginine at codon 236 of the IL7R protein (p.Gly236Arg). The glycine residue is highly conserved and there is a moderate physicochemical difference between glycine and arginine. This variant also falls at the last nucleotide of exon 5, which is part of the consensus splice site for this exon.

Literature cited by the submitters: PubMed 17576681; PubMed 9536098.

NM_002185.5(IL7R):c.706G>C (p.Gly236Arg)

Gene: IL7R (interleukin 7 receptor; plus strand). Cytogenetic location: 5p13.2.
Variant type: single nucleotide variant.
Coding change: c.706G>C on transcript NM_002185.5 (MANE Select); coding-DNA position 706, G replaced by C.
Protein change: p.Gly236Arg; replaces glycine 236 with arginine.
Molecular consequence: missense variant.
Genome position (GRCh38, 1-based): chr5:35,873,648, G>C. VCF-style: chr5-35873648-G-C. GRCh37 (hg19) VCF-style: chr5-35873750-G-C.
Other names: short protein forms G236R.
Identifiers: ClinVar variation 1397614 (VCV001397614.8), dbSNP rs2149903496, ClinGen allele CA359431213.